The following is an entry in ClinVar:

NM_033305.3(VPS13A):c.5219_5222dup (p.Val1742fs)

Gene: VPS13A (vacuolar protein sorting 13 homolog A; plus strand). Cytogenetic location: 9q21.2.
Variant type: Duplication.
Coding change: c.5219_5222dup on transcript NM_033305.3 (MANE Select); coding-DNA positions 5219 to 5222, 4 bases duplicated (GAAC; older notation c.5219_5222dupGAAC).
Protein change: p.Val1742fs; shifts the reading frame from valine 1742.
Molecular consequence: frameshift variant.
Genome position (GRCh38, 1-based): chr9:77,318,497-77,318,500, GAAC duplicated. VCF-style (leftmost placement, unchanged base first): chr9-77318496-A-AGAAC. GRCh37 (hg19) VCF-style: chr9-79933412-A-AGAAC.
Other names: c.5102_5105dup, p.Val1703fs (NM_001018037.2); c.5219_5222dup, p.Val1742fs (NM_001018038.3, NM_015186.4); short protein forms V1703fs, V1742fs.
Identifiers: ClinVar variation 2014489 (VCV002014489.4), dbSNP rs1199567737, ClinGen allele CA588651310.

ClinVar aggregate classification (germline): Pathogenic (1 of 4 stars; one submission).

Allele frequency attached by ClinVar (database versions not stated): gnomAD exomes below 0.00001.

Submission:

Labcorp Genetics (formerly Invitae), Labcorp
Classification: Pathogenic. Last evaluated: 2022-07-06. Review status: criteria provided, single submitter. Criteria: Invitae Variant Classification Sherloc (09022015). Collection method: clinical testing. Allele origin: germline.
Comment: This sequence change creates a premature translational stop signal (p.Val1742Asnfs*29) in the VPS13A gene. It is expected to result in an absent or disrupted protein product. Loss-of-function variants in VPS13A are known to be pathogenic (PMID: 12404112, 21598378). This variant is present in population databases (no rsID available, gnomAD 0.0009%). This variant has not been reported in the literature in individuals affected with VPS13A-related conditions. For these reasons, this variant has been classified as Pathogenic.

Literature cited by the submitters: PubMed 12404112; PubMed 21598378.